The following is an entry in ClinVar:

NM_017780.4(CHD7):c.3249A>G (p.Thr1083=)

Gene: CHD7 (chromodomain helicase DNA binding protein 7; plus strand). Cytogenetic location: 8q12.2.
Variant type: single nucleotide variant.
Coding change: c.3249A>G on transcript NM_017780.4 (MANE Select); coding-DNA position 3249, A replaced by G.
Protein change: p.Thr1083=; no amino-acid change (threonine 1083 retained).
Molecular consequence: synonymous variant. On other transcripts: intron variant (1).
Genome position (GRCh38, 1-based): chr8:60,823,887, A>G. VCF-style: chr8-60823887-A-G. GRCh37 (hg19) VCF-style: chr8-61736446-A-G.
Other names: c.1717-38342A>G (NM_001316690.1).
Identifiers: ClinVar variation 3047024 (VCV003047024.2), dbSNP rs2487818654, ClinGen allele CA460846058.
Genomic context (GRCh38, chr8:60,823,887, plus strand): 5'-GTTGTTCTTATAGGGTCGAGTGATAAAGGGGTCCTATAAGTTTCATGCCATCATCACTAC[A>G]TTTGAGATGATTTTGACTGATTGTCCTGAGCTGCGGAATATTCCATGGCGCTGTGTAGTC-3'
Protein context (NP_060250.2, residues 1073-1093): GSYKFHAIIT[Thr1083=]FEMILTDCPE

ClinVar aggregate classification (germline): Likely benign (0 of 4 stars; one submission).

Conditions:
CHD7-related disorder. Also called: CHD7-related condition.

Allele frequency attached by ClinVar (database versions not stated): gnomAD exomes below 0.00001.
gnomAD v4.1: 1 of 1,613,824 alleles (0.000062%); highest among the groups gnomAD compares: Non-Finnish European, 0.000085%; no homozygotes.

Submission:

PreventionGenetics, part of Exact Sciences
Classification: Likely benign for CHD7-related condition. Last evaluated: 2023-06-28. Review status: no assertion criteria provided. Collection method: clinical testing. Allele origin: germline.
Comment: This variant is classified as likely benign based on ACMG/AMP sequence variant interpretation guidelines (Richards et al. 2015 PMID: 25741868, with internal and published modifications).